The following is an entry in ClinVar:

ClinVar aggregate classification (germline): Uncertain significance. Review status: criteria provided, multiple submitters, no conflicts (2 of 4 stars). 2 submissions from 2 submitters: Uncertain significance (2). Last evaluated 2024-08-06.

Conditions:
Multiple endocrine neoplasia, type 2 (MEN2). Identifiers: Orphanet 653, MedGen C4048306, MONDO:0019003. Disease mechanism: gain of function.

Submissions (2):

All of Us Research Program, National Institutes of Health
Classification: Uncertain significance for Multiple endocrine neoplasia, type 2. Last evaluated: 2024-08-06. Review status: criteria provided, single submitter. Criteria: ACMG Guidelines, 2015. Collection method: clinical testing. Allele origin: germline. Inheritance: Autosomal dominant inheritance. Observed: 1 variant allele, 1 heterozygote.
Comment: This study involves interpretation of variants in research participants for the purpose of population health screening. Participant phenotype was not available at the time of variant classification. Additional details can be found in publication PMID: 35346344, PMCID: PMC8962531

Labcorp Genetics (formerly Invitae), Labcorp
Classification: Uncertain significance for Multiple endocrine neoplasia, type 2. Last evaluated: 2019-11-14. Review status: criteria provided, single submitter. Criteria: Invitae Variant Classification Sherloc (09022015). Collection method: clinical testing. Allele origin: germline.
Comment: Algorithms developed to predict the effect of missense changes on protein structure and function are either unavailable or do not agree on the potential impact of this missense change (SIFT: "Tolerated"; PolyPhen-2: "Possibly Damaging"; Align-GVGD: "Class C0"). This sequence change replaces serine with cysteine at codon 522 of the RET protein (p.Ser522Cys). The serine residue is moderately conserved and there is a moderate physicochemical difference between serine and cysteine. This variant is not present in population databases (ExAC no frequency). This variant has not been reported in the literature in individuals with RET-related conditions. In summary, the available evidence is currently insufficient to determine the role of this variant in disease. Therefore, it has been classified as a Variant of Uncertain Significance.

NM_020975.6(RET):c.1564A>T (p.Ser522Cys)

Gene: RET (ret proto-oncogene; plus strand). Cytogenetic location: 10q11.21.
Variant type: single nucleotide variant.
Coding change: c.1564A>T on transcript NM_020975.6 (MANE Select); coding-DNA position 1564, A replaced by T.
Protein change: p.Ser522Cys; replaces serine 522 with cysteine.
Molecular consequence: missense variant.
Genome position (GRCh38, 1-based): chr10:43,112,140, A>T. VCF-style: chr10-43112140-A-T. GRCh37 (hg19) VCF-style: chr10-43607588-A-T.
Other names: c.1564A>T, p.Ser522Cys (NM_000323.2, NM_001406743.1, NM_001406744.1 and 6 more transcripts); c.802A>T, p.Ser268Cys (NM_001355216.2); c.1435A>T, p.Ser479Cys (NM_001406761.1, NM_001406762.1, NM_001406764.1 and 1 more transcripts); c.1276A>T, p.Ser426Cys (NM_001406766.1, NM_001406767.1, NM_001406770.1); c.1168A>T, p.Ser390Cys (NM_001406769.1, NM_001406772.1); c.1126A>T, p.Ser376Cys (NM_001406771.1, NM_001406773.1); c.1039A>T, p.Ser347Cys (NM_001406774.1); c.838A>T, p.Ser280Cys (NM_001406775.1, NM_001406776.1, NM_001406777.1 and 1 more transcripts); and 5 more; short protein forms S268C, S522C, S192C, S390C, S479C, S127C, S180C, S376C.
Identifiers: ClinVar variation 960136 (VCV000960136.11), dbSNP rs1837950789, ClinGen allele CA376550391.